The following is an entry in ClinVar:

ClinVar aggregate classification (germline): Uncertain significance. Review status: criteria provided, multiple submitters, no conflicts (2 of 4 stars). 2 submissions from 2 submitters: Uncertain significance (2). Last evaluated 2023-10-06.

Conditions:
Neuropathy, hereditary sensory and autonomic, type 2A (HSAN2A). Also called: MORVAN DISEASE; NEUROPATHY, CONGENITAL SENSORY; NEUROPATHY, HEREDITARY SENSORY RADICULAR, AUTOSOMAL RECESSIVE; NEUROPATHY, HEREDITARY SENSORY, TYPE IIA; NEUROPATHY, PROGRESSIVE SENSORY, OF CHILDREN; ACROOSTEOLYSIS, GIACCAI TYPE. Identifiers: Orphanet 970, MedGen C2752089, MONDO:0024309, OMIM 201300.
Pseudohypoaldosteronism type 2C (PHA2C). Also called: Pseudohypoaldosteronism Type IIC. Identifiers: Orphanet 757, Orphanet 88940, MedGen C1840391, MONDO:0013778, OMIM 614492.
Inborn genetic diseases. Identifiers: MedGen C0950123, MeSH D030342.

Allele frequency attached by ClinVar (database versions not stated): TOPMed below 0.00001; gnomAD 0.00001.
gnomAD v4.1: 1 of 1,605,334 alleles (0.000062%); highest among the groups gnomAD compares: Non-Finnish European, 0.000085%; no homozygotes.

Submissions (2):

Labcorp Genetics (formerly Invitae), Labcorp
Classification: Uncertain significance for Neuropathy, hereditary sensory and autonomic, type 2A; Pseudohypoaldosteronism type 2C. Last evaluated: 2023-10-06. Review status: criteria provided, single submitter. Criteria: Invitae Variant Classification Sherloc (09022015). Collection method: clinical testing. Allele origin: germline.
Comment: This sequence change replaces aspartic acid, which is acidic and polar, with glutamic acid, which is acidic and polar, at codon 2341 of the WNK1 protein (p.Asp2341Glu). This variant is present in population databases (no rsID available, gnomAD no frequency). This variant has not been reported in the literature in individuals affected with WNK1-related conditions. ClinVar contains an entry for this variant (Variation ID: 1756737). Advanced modeling of protein sequence and biophysical properties (such as structural, functional, and spatial information, amino acid conservation, physicochemical variation, residue mobility, and thermodynamic stability) performed at Invitae indicates that this missense variant is not expected to disrupt WNK1 protein function. In summary, the available evidence is currently insufficient to determine the role of this variant in disease. Therefore, it has been classified as a Variant of Uncertain Significance.

Ambry Genetics
Classification: Uncertain significance for Inborn genetic diseases. Last evaluated: 2022-09-27. Review status: criteria provided, single submitter. Criteria: Ambry Variant Classification Scheme 2023. Collection method: clinical testing. Allele origin: germline.
Comment: The p.D2341E variant (also known as c.7023C>G), located in coding exon 25 of the WNK1 gene, results from a C to G substitution at nucleotide position 7023. The aspartic acid at codon 2341 is replaced by glutamic acid, an amino acid with highly similar properties. This amino acid position is not well conserved in available vertebrate species. In addition, this alteration is predicted to be tolerated by in silico analysis. Since supporting evidence is limited at this time, the clinical significance of this alteration remains unclear.

NM_018979.4(WNK1):c.6267C>G (p.Asp2089Glu)

Gene: WNK1 (WNK lysine deficient protein kinase 1; plus strand). Cytogenetic location: 12p13.33.
Variant type: single nucleotide variant.
Coding change: c.6267C>G on transcript NM_018979.4 (MANE Select); coding-DNA position 6267, C replaced by G.
Protein change: p.Asp2089Glu; replaces aspartic acid 2089 with glutamic acid.
Molecular consequence: missense variant.
Genome position (GRCh38, 1-based): chr12:897,500, C>G. VCF-style: chr12-897500-C-G. GRCh37 (hg19) VCF-style: chr12-1006666-C-G.
Other names: c.7047C>G, p.Asp2349Glu (NM_001184985.2); c.5523C>G, p.Asp1841Glu (NM_014823.3); c.7023C>G, p.Asp2341Glu (NM_213655.5); short protein forms D2341E, D1841E, D2089E, D2349E.
Identifiers: ClinVar variation 1756737 (VCV001756737.5), dbSNP rs1185508045, ClinGen allele CA383337060.